The following is an entry in ClinVar:

ClinVar aggregate classification (germline): Uncertain significance. Review status: criteria provided, multiple submitters, no conflicts (2 of 4 stars). 2 submissions from 2 submitters: Uncertain significance (2). Last evaluated 2025-09-24.

Conditions:
Inborn genetic diseases. Identifiers: MedGen C0950123, MeSH D030342.

Allele frequency attached by ClinVar (database versions not stated): ExAC 0.00001; gnomAD exomes below 0.00001.
gnomAD v4.1: 2 of 1,611,062 alleles (0.00012%); highest among the groups gnomAD compares: Admixed American, 0.0034%; no homozygotes.

Submissions (2):

Ambry Genetics
Classification: Uncertain significance for Inborn genetic diseases. Last evaluated: 2025-09-24. Review status: criteria provided, single submitter. Criteria: Ambry Variant Classification Scheme 2023. Collection method: clinical testing. Allele origin: germline.

Labcorp Genetics (formerly Invitae), Labcorp
Classification: Uncertain significance. Last evaluated: 2022-02-25. Review status: criteria provided, single submitter. Criteria: Invitae Variant Classification Sherloc (09022015). Collection method: clinical testing. Allele origin: germline.
Comment: This sequence change replaces proline, which is neutral and non-polar, with serine, which is neutral and polar, at codon 1487 of the CCDC88C protein (p.Pro1487Ser). This variant is present in population databases (rs745347761, gnomAD 0.003%). This variant has not been reported in the literature in individuals affected with CCDC88C-related conditions. Algorithms developed to predict the effect of missense changes on protein structure and function (SIFT, PolyPhen-2, Align-GVGD) all suggest that this variant is likely to be tolerated. In summary, the available evidence is currently insufficient to determine the role of this variant in disease. Therefore, it has been classified as a Variant of Uncertain Significance.

NM_001080414.4(CCDC88C):c.4459C>T (p.Pro1487Ser)

Gene: CCDC88C (coiled-coil and HOOK domain protein 88C; minus strand). Cytogenetic location: 14q32.11.
Variant type: single nucleotide variant.
Coding change: c.4459C>T on transcript NM_001080414.4 (MANE Select); coding-DNA position 4459, C replaced by T.
Protein change: p.Pro1487Ser; replaces proline 1487 with serine.
Molecular consequence: missense variant.
Genome position (GRCh38, 1-based): chr14:91,283,500, G>A on the plus strand (C>T on the coding strand, the complement: CCDC88C is on the minus strand). VCF-style: chr14-91283500-G-A. GRCh37 (hg19) VCF-style: chr14-91749844-G-A.
Other names: c.4459C>T (NM_001080414.3); short protein forms P1487S.
Identifiers: ClinVar variation 2039676 (VCV002039676.2), dbSNP rs745347761, ClinGen allele CA7308970.